The following is an entry in ClinVar:

NM_000817.3(GAD1):c.354G>A (p.Leu118=)

Gene: GAD1 (glutamate decarboxylase 1; plus strand). Cytogenetic location: 2q31.1.
Variant type: single nucleotide variant.
Coding change: c.354G>A on transcript NM_000817.3 (MANE Select); coding-DNA position 354, G replaced by A.
Protein change: p.Leu118=; no amino-acid change (leucine 118 retained).
Molecular consequence: synonymous variant.
Genome position (GRCh38, 1-based): chr2:170,830,999, G>A. VCF-style: chr2-170830999-G-A. GRCh37 (hg19) VCF-style: chr2-171687509-G-A.
Other names: c.354G>A, p.Leu118= (NM_013445.4).
Identifiers: ClinVar variation 2651536 (VCV002651536.24), dbSNP rs1050184898, ClinGen allele CA60607556.

ClinVar aggregate classification (germline): Likely benign (1 of 4 stars; one submission).

Allele frequency attached by ClinVar (database versions not stated): gnomAD 0.00001; TOPMed 0.00001.

Submission:

CeGaT Center for Human Genetics Tuebingen
Classification: Likely benign. Last evaluated: 2022-08-01. Review status: criteria provided, single submitter. Criteria: CeGaT Center For Human Genetics Tuebingen Variant Classification Criteria Version 2. Collection method: clinical testing. Allele origin: germline. Affected: yes. Observed: 1 variant allele.
Comment: GAD1: BP4, BP7